The following is an entry in ClinVar:

NM_014585.6(SLC40A1):c.381G>A (p.Trp127Ter)

Gene: SLC40A1 (solute carrier family 40 member 1; minus strand). Cytogenetic location: 2q32.2.
Variant type: single nucleotide variant.
Coding change: c.381G>A on transcript NM_014585.6 (MANE Select); coding-DNA position 381, G replaced by A.
Protein change: p.Trp127Ter; replaces tryptophan 127 with a stop codon.
Molecular consequence: nonsense.
Genome position (GRCh38, 1-based): chr2:189,572,852, C>T on the plus strand (G>A on the coding strand, the complement: SLC40A1 is on the minus strand). VCF-style: chr2-189572852-C-T. GRCh37 (hg19) VCF-style: chr2-190437578-C-T.
Other names: short protein forms W127*.
Identifiers: ClinVar variation 3725741 (VCV003725741.2).

ClinVar aggregate classification (germline): Uncertain significance (1 of 4 stars; one submission).

Conditions:
Hemochromatosis type 4 (HFE4). Also called: HEMOCHROMATOSIS DUE TO DEFECT IN FERROPORTIN; HEMOCHROMATOSIS, AUTOSOMAL DOMINANT; Ferroportin disease. Identifiers: Orphanet 139491, Orphanet 647834, Orphanet 648562, MedGen C1853733, MONDO:0011631, OMIM 606069.

Submission:

Labcorp Genetics (formerly Invitae), Labcorp
Classification: Uncertain significance for Hemochromatosis type 4. Last evaluated: 2024-11-21. Review status: criteria provided, single submitter. Criteria: Invitae Variant Classification Sherloc (09022015). Collection method: clinical testing. Allele origin: germline.
Comment: This sequence change creates a premature translational stop signal (p.Trp127*) in the SLC40A1 gene. It is expected to result in an absent or disrupted protein product. However, the current clinical and genetic evidence is not sufficient to establish whether loss-of-function variants in SLC40A1 cause disease. This variant is not present in population databases (gnomAD no frequency). This variant has not been reported in the literature in individuals affected with SLC40A1-related conditions. In summary, the available evidence is currently insufficient to determine the role of this variant in disease. Therefore, it has been classified as a Variant of Uncertain Significance.